The following is an entry in ClinVar:

ClinVar aggregate classification (germline): Uncertain significance (1 of 4 stars; one submission).

Conditions:
Candidiasis, familial, 9 (CANDF9). Identifiers: Orphanet 1334, MedGen C4225324, MONDO:0014642, OMIM 616445.

Allele frequency attached by ClinVar (database versions not stated): gnomAD exomes 0.00001; ExAC 0.00002.
gnomAD v4.1: 29 of 1,613,804 alleles (0.0018%); highest among the groups gnomAD compares: African/African-American, 0.004%; 1 homozygote.

Submission:

Labcorp Genetics (formerly Invitae), Labcorp
Classification: Uncertain significance for Candidiasis, familial, 9. Last evaluated: 2024-12-03. Review status: criteria provided, single submitter. Criteria: Invitae Variant Classification Sherloc (09022015). Collection method: clinical testing. Allele origin: germline.
Comment: This sequence change affects codon 497 of the IL17RC mRNA. It is a 'silent' change, meaning that it does not change the encoded amino acid sequence of the IL17RC protein. This variant also falls at the last nucleotide of exon 14, which is part of the consensus splice site for this exon. This variant is present in population databases (rs769235381, gnomAD 0.007%). This variant has not been reported in the literature in individuals affected with IL17RC-related conditions. ClinVar contains an entry for this variant (Variation ID: 1460568). Variants that disrupt the consensus splice site are a relatively common cause of aberrant splicing (PMID: 17576681, 9536098). Algorithms developed to predict the effect of sequence changes on RNA splicing suggest that this variant may disrupt the consensus splice site. In summary, the available evidence is currently insufficient to determine the role of this variant in disease. Therefore, it has been classified as a Variant of Uncertain Significance.

Literature cited by the submitters: PubMed 17576681; PubMed 9536098.

NM_153460.4(IL17RC):c.1278G>A (p.Thr426=)

Gene: IL17RC (interleukin 17 receptor C; plus strand). Cytogenetic location: 3p25.3.
Variant type: single nucleotide variant.
Coding change: c.1278G>A on transcript NM_153460.4 (MANE Select); coding-DNA position 1278, G replaced by A.
Protein change: p.Thr426=; no amino-acid change (threonine 426 retained).
Molecular consequence: synonymous variant. On other transcripts: non-coding transcript variant (1).
Genome position (GRCh38, 1-based): chr3:9,930,149, G>A. VCF-style: chr3-9930149-G-A. GRCh37 (hg19) VCF-style: chr3-9971833-G-A.
Other names: c.1278G>A, p.Thr426= (NM_001203263.2); c.1227G>A, p.Thr409= (NM_001203264.2); c.1182G>A, p.Thr394= (NM_001203265.2); c.1239G>A, p.Thr413= (NM_001367278.1); c.1158G>A, p.Thr386= (NM_001367279.1); c.1233G>A, p.Thr411= (NM_001367280.1, NM_032732.6); c.1491G>A, p.Thr497= (NM_153461.4).
Identifiers: ClinVar variation 1460568 (VCV001460568.6), dbSNP rs769235381, ClinGen allele CA2247209.